The following is an entry in ClinVar:

ClinVar aggregate classification (germline): Uncertain significance. Review status: criteria provided, single submitter (1 of 4 stars). 2 submissions from 2 submitters: Uncertain significance (1). 1 of the submissions does not count toward it. Last evaluated 2024-10-18.

Conditions:
RASopathy. Also called: rasopathies; Noonan spectrum disorder. Identifiers: Orphanet 536391, MedGen C5555857, MONDO:0021060.
Noonan syndrome (NS). Also called: Noonan's syndrome. Identifiers: Orphanet 648, MedGen C0028326, MeSH D009634, MONDO:0018997. Disease mechanism: gain of function.

Submissions (2):

Labcorp Genetics (formerly Invitae), Labcorp
Classification: Uncertain significance for RASopathy. Last evaluated: 2024-10-18. Review status: criteria provided, single submitter. Criteria: Invitae Variant Classification Sherloc (09022015). Collection method: clinical testing. Allele origin: germline.
Comment: This sequence change replaces histidine, which is basic and polar, with tyrosine, which is neutral and polar, at codon 358 of the MAP2K1 protein (p.His358Tyr). This variant is not present in population databases (gnomAD no frequency). This variant has not been reported in the literature in individuals affected with MAP2K1-related conditions. ClinVar contains an entry for this variant (Variation ID: 666422). Invitae Evidence Modeling of protein sequence and biophysical properties (such as structural, functional, and spatial information, amino acid conservation, physicochemical variation, residue mobility, and thermodynamic stability) has been performed for this missense variant. However, the output from this modeling did not meet the statistical confidence thresholds required to predict the impact of this variant on MAP2K1 protein function. In summary, the available evidence is currently insufficient to determine the role of this variant in disease. Therefore, it has been classified as a Variant of Uncertain Significance.

Service de Génétique Moléculaire, Hôpital Robert Debré
Classification: Likely benign for Noonan syndrome. Review status: no assertion criteria provided. Collection method: clinical testing. Allele origin: paternal. Affected: yes. Not counted in ClinVar's aggregate classification.

NM_002755.4(MAP2K1):c.1072C>T (p.His358Tyr)

Genes: MAP2K1 (mitogen-activated protein kinase kinase 1; plus strand), SNAPC5 (small nuclear RNA activating complex polypeptide 5; minus strand). Cytogenetic location: 15q22.31.
Variant type: single nucleotide variant.
Coding change: c.1072C>T on transcript NM_002755.4 (MANE Select); coding-DNA position 1072, C replaced by T.
Protein change: p.His358Tyr; replaces histidine 358 with tyrosine.
Molecular consequence: missense variant. On other transcripts: 3 prime UTR variant (1), non-coding transcript variant (1).
Genome position (GRCh38, 1-based): chr15:66,490,505, C>T. VCF-style: chr15-66490505-C-T. GRCh37 (hg19) VCF-style: chr15-66782843-C-T.
Other names: c.*234G>A (NM_006049.4); c.928C>T, p.His310Tyr (NM_001411065.1); short protein forms H358Y, H310Y.
Identifiers: ClinVar variation 666422 (VCV000666422.6), dbSNP rs1595889532, ClinGen allele CA392938780.